The following is an entry in ClinVar:

NM_205836.3(FBXO38):c.2362A>C (p.Thr788Pro)

Gene: FBXO38 (F-box protein 38; plus strand). Cytogenetic location: 5q32.
Variant type: single nucleotide variant.
Coding change: c.2362A>C on transcript NM_205836.3 (MANE Select); coding-DNA position 2362, A replaced by C.
Protein change: p.Thr788Pro; replaces threonine 788 with proline.
Molecular consequence: missense variant. On other transcripts: intron variant (1).
Genome position (GRCh38, 1-based): chr5:148,427,656, A>C. VCF-style: chr5-148427656-A-C. GRCh37 (hg19) VCF-style: chr5-147807219-A-C.
Other names: c.2362A>C, p.Thr788Pro (NM_030793.5); c.1918+1955A>C (NM_001271723.2); short protein forms T788P.
Identifiers: ClinVar variation 2818680 (VCV002818680.3), dbSNP rs962189016, ClinGen allele CA128950135.

ClinVar aggregate classification (germline): Uncertain significance (1 of 4 stars; one submission).

Conditions:
Distal hereditary motor neuropathy type 2. Identifiers: Orphanet 139525, MedGen C3711384, MeSH C580044, MONDO:0015352.

gnomAD v4.1: 5 of 1,614,250 alleles (0.00031%); highest among the groups gnomAD compares: African/African-American, 0.0013%; no homozygotes.

Submission:

Labcorp Genetics (formerly Invitae), Labcorp
Classification: Uncertain significance for Distal hereditary motor neuropathy type 2. Last evaluated: 2022-12-05. Review status: criteria provided, single submitter. Criteria: Invitae Variant Classification Sherloc (09022015). Collection method: clinical testing. Allele origin: germline.
Comment: In summary, the available evidence is currently insufficient to determine the role of this variant in disease. Therefore, it has been classified as a Variant of Uncertain Significance. Advanced modeling of protein sequence and biophysical properties (such as structural, functional, and spatial information, amino acid conservation, physicochemical variation, residue mobility, and thermodynamic stability) performed at Invitae indicates that this missense variant is not expected to disrupt FBXO38 protein function. This variant has not been reported in the literature in individuals affected with FBXO38-related conditions. This variant is not present in population databases (gnomAD no frequency). This sequence change replaces threonine, which is neutral and polar, with proline, which is neutral and non-polar, at codon 788 of the FBXO38 protein (p.Thr788Pro).